The following is an entry in ClinVar:

NM_001365951.3(KIF1B):c.5278G>A (p.Ala1760Thr)

Gene: KIF1B (kinesin family member 1B; plus strand). Cytogenetic location: 1p36.22.
Variant type: single nucleotide variant.
Coding change: c.5278G>A on transcript NM_001365951.3 (MANE Select); coding-DNA position 5278, G replaced by A.
Protein change: p.Ala1760Thr; replaces alanine 1760 with threonine.
Molecular consequence: missense variant.
Genome position (GRCh38, 1-based): chr1:10,375,035, G>A. VCF-style: chr1-10375035-G-A. GRCh37 (hg19) VCF-style: chr1-10435093-G-A.
Other names: c.5278G>A, p.Ala1760Thr (NM_001365952.1); c.5140G>A, p.Ala1714Thr (NM_015074.3); short protein forms A1760T, A1714T.
Identifiers: ClinVar variation 1745609 (VCV001745609.6), dbSNP rs2521983755, ClinGen allele CA338330968.

ClinVar aggregate classification (germline): Uncertain significance. Review status: criteria provided, multiple submitters, no conflicts (2 of 4 stars). 2 submissions from 2 submitters: Uncertain significance (2). Last evaluated 2024-07-02.

Conditions:
Charcot-Marie-Tooth disease type 2. Also called: Charcot-Marie-Tooth type 2. Identifiers: Orphanet 64746, MedGen C0270914, MONDO:0018993.

Submissions (2):

Ambry Genetics
Classification: Uncertain significance. Last evaluated: 2024-07-02. Review status: criteria provided, single submitter. Criteria: Ambry Variant Classification Scheme 2023. Collection method: clinical testing. Allele origin: germline.
Comment: The p.A1714T variant (also known as c.5140G>A), located in coding exon 44 of the KIF1B gene, results from a G to A substitution at nucleotide position 5140. The alanine at codon 1714 is replaced by threonine, an amino acid with similar properties. This amino acid position is conserved. In addition, this alteration is predicted to be tolerated by in silico analysis. Since supporting evidence is limited at this time, the clinical significance of this alteration remains unclear.

Labcorp Genetics (formerly Invitae), Labcorp
Classification: Uncertain significance for Charcot-Marie-Tooth disease type 2. Last evaluated: 2023-05-01. Review status: criteria provided, single submitter. Criteria: Invitae Variant Classification Sherloc (09022015). Collection method: clinical testing. Allele origin: germline.
Comment: This variant has not been reported in the literature in individuals affected with KIF1B-related conditions. This variant is not present in population databases (gnomAD no frequency). This sequence change replaces alanine, which is neutral and non-polar, with threonine, which is neutral and polar, at codon 1714 of the KIF1B protein (p.Ala1714Thr). ClinVar contains an entry for this variant (Variation ID: 1745609). In summary, the available evidence is currently insufficient to determine the role of this variant in disease. Therefore, it has been classified as a Variant of Uncertain Significance. An algorithm developed to predict the effect of missense changes on protein structure and function (PolyPhen-2) suggests that this variant is likely to be disruptive.